The following is an entry in ClinVar:

NM_020821.3(VPS13C):c.1359T>G (p.Ile453Met)

Gene: VPS13C (vacuolar protein sorting 13 homolog C; minus strand). Cytogenetic location: 15q22.2.
Variant type: single nucleotide variant.
Coding change: c.1359T>G on transcript NM_020821.3 (MANE Select); coding-DNA position 1359, T replaced by G.
Protein change: p.Ile453Met; replaces isoleucine 453 with methionine.
Molecular consequence: missense variant.
Genome position (GRCh38, 1-based): chr15:61,991,797, A>C on the plus strand (T>G on the coding strand, the complement: VPS13C is on the minus strand). VCF-style: chr15-61991797-A-C. GRCh37 (hg19) VCF-style: chr15-62283996-A-C.
Other names: p.Ile453Met; c.1359T>G, p.Ile453Met (NM_001018088.3); c.1230T>G, p.Ile410Met (NM_017684.5, NM_018080.4); short protein forms I410M, I453M.
Identifiers: ClinVar variation 4541961 (VCV004541961.1).
Genomic context (GRCh38, chr15:61,991,797, plus strand): 5'-CCAGCCTCCACGTTTCTCGCCTGTGTCAGCAGACTTTTTCCTTAATTTTTGCCCAGACCG[A>C]ATCACCTGAAAAATAAAAATTAAAAAATTTACTTTAAGAATGTTGCCCTCTTCATTTTCA-3'
Protein context (NP_065872.1, residues 443-463): LARQQAQVEV[Ile453Met]RSGQKLRKKS

ClinVar aggregate classification (germline): Uncertain significance (1 of 4 stars; one submission).

gnomAD v4.1: 5 of 1,609,206 alleles (0.00031%); highest among the groups gnomAD compares: Non-Finnish European, 0.00042%; no homozygotes.

Submission:

Mayo Clinic Laboratories, Mayo Clinic
Classification: Uncertain significance. Last evaluated: 2025-04-15. Review status: criteria provided, single submitter. Criteria: ACMG Guidelines, 2015. Collection method: clinical testing. Allele origin: germline. Observed: 1 variant allele.
Comment: BP4, PM2_supporting